The following is an entry in ClinVar:

NM_000722.4(CACNA2D1):c.2981A>T (p.Glu994Val)

Gene: CACNA2D1 (calcium voltage-gated channel auxiliary subunit alpha2delta 1; minus strand). Cytogenetic location: 7q21.11.
Variant type: single nucleotide variant.
Coding change: c.2981A>T on transcript NM_000722.4 (MANE Select); coding-DNA position 2981, A replaced by T.
Protein change: p.Glu994Val; replaces glutamic acid 994 with valine.
Molecular consequence: missense variant.
Genome position (GRCh38, 1-based): chr7:81,959,815, T>A on the plus strand (A>T on the coding strand, the complement: CACNA2D1 is on the minus strand). VCF-style: chr7-81959815-T-A. GRCh37 (hg19) VCF-style: chr7-81589131-T-A.
Other names: c.3017A>T, p.Glu1006Val (NM_001366867.1); short protein forms E994V, E1006V.
Identifiers: ClinVar variation 3484077 (VCV003484077.2).

ClinVar aggregate classification (germline): Uncertain significance. Review status: criteria provided, multiple submitters, no conflicts (2 of 4 stars). 2 submissions from 2 submitters: Uncertain significance (2). Last evaluated 2025-09-20.

Conditions:
Cardiovascular phenotype. Identifiers: MedGen CN230736.
Brugada syndrome. Also called: Sudden Unexplained Death Syndrome; Sudden Unexplained Nocturnal Death Syndrome (SUNDS); Sudden unexpected nocturnal death syndrome; Sudden unexplained nocturnal death syndrome. Identifiers: Orphanet 130, MedGen C1142166, MONDO:0015263.

gnomAD v4.1: 1 of 1,612,268 alleles (0.000062%); highest among the groups gnomAD compares: Non-Finnish European, 0.000085%; no homozygotes.

Submissions (2):

Labcorp Genetics (formerly Invitae), Labcorp
Classification: Uncertain significance for Brugada syndrome. Last evaluated: 2025-09-20. Review status: criteria provided, single submitter. Criteria: Invitae Variant Classification Sherloc (09022015). Collection method: clinical testing. Allele origin: germline.
Comment: This sequence change replaces glutamic acid, which is acidic and polar, with valine, which is neutral and non-polar, at codon 994 of the CACNA2D1 protein (p.Glu994Val). This variant is not present in population databases (gnomAD no frequency). This variant has not been reported in the literature in individuals affected with CACNA2D1-related conditions. ClinVar contains an entry for this variant (Variation ID: 3484077). An algorithm developed to predict the effect of missense changes on protein structure and function (PolyPhen-2) suggests that this variant is likely to be disruptive. In summary, the available evidence is currently insufficient to determine the role of this variant in disease. Therefore, it has been classified as a Variant of Uncertain Significance.

Ambry Genetics
Classification: Uncertain significance for Cardiovascular phenotype. Last evaluated: 2024-07-04. Review status: criteria provided, single submitter. Criteria: Ambry Variant Classification Scheme 2023. Collection method: clinical testing. Allele origin: germline.
Comment: The p.E994V variant (also known as c.2981A>T), located in coding exon 37 of the CACNA2D1 gene, results from an A to T substitution at nucleotide position 2981. The glutamic acid at codon 994 is replaced by valine, an amino acid with dissimilar properties. This amino acid position is conserved. In addition, this alteration is predicted to be deleterious by in silico analysis. Based on the available evidence, the clinical significance of this variant remains unclear.